The following is an entry in ClinVar:

ClinVar aggregate classification (germline): Likely benign. Review status: criteria provided, multiple submitters, no conflicts (2 of 4 stars). 3 submissions from 3 submitters: Likely benign (3). Last evaluated 2026-02-04.

Conditions:
HGF-related disorder. Also called: HGF-related condition.

Allele frequency attached by ClinVar (database versions not stated): TOPMed 0.00001; gnomAD 0.00003; ExAC 0.00005.
gnomAD v4.1: 57 of 1,613,678 alleles (0.0035%); highest among the groups gnomAD compares: South Asian, 0.043%; no homozygotes.

Submissions (3):

PreventionGenetics, part of Exact Sciences
Classification: Likely benign for HGF-related condition. Last evaluated: 2026-02-04. Review status: criteria provided, single submitter. Criteria: ACMG Guidelines, 2015. Collection method: clinical testing. Allele origin: germline.
Comment: This variant is classified as likely benign based on ACMG/AMP sequence variant interpretation guidelines (Richards et al. 2015 PMID: 25741868, with internal and published modifications).

CeGaT Center for Human Genetics Tuebingen
Classification: Likely benign. Last evaluated: 2025-06-01. Review status: criteria provided, single submitter. Criteria: CeGaT Center For Human Genetics Tuebingen Variant Classification Criteria Version 2. Collection method: clinical testing. Allele origin: germline. Affected: yes. Observed: 1 variant allele.
Comment: HGF: BP4, BP7

Labcorp Genetics (formerly Invitae), Labcorp
Classification: Likely benign. Last evaluated: 2024-08-29. Review status: criteria provided, single submitter. Criteria: Invitae Variant Classification Sherloc (09022015). Collection method: clinical testing. Allele origin: germline.

NM_000601.6(HGF):c.1005C>T (p.His335=)

Gene: HGF (hepatocyte growth factor; minus strand). Cytogenetic location: 7q21.11.
Variant type: single nucleotide variant.
Coding change: c.1005C>T on transcript NM_000601.6 (MANE Select); coding-DNA position 1005, C replaced by T.
Protein change: p.His335=; no amino-acid change (histidine 335 retained).
Molecular consequence: synonymous variant.
Genome position (GRCh38, 1-based): chr7:81,729,640, G>A on the plus strand (C>T on the coding strand, the complement: HGF is on the minus strand). VCF-style: chr7-81729640-G-A. GRCh37 (hg19) VCF-style: chr7-81358956-G-A.
Other names: c.1005C>T (NM_000601.5); c.990C>T, p.His330= (NM_001010932.3).
Identifiers: ClinVar variation 1905776 (VCV001905776.14), dbSNP rs757186641, ClinGen allele CA4317012.